The following is an entry in ClinVar:

NM_002181.4(IHH):c.947G>C (p.Arg316Pro)

Gene: IHH (Indian hedgehog signaling molecule; minus strand). Cytogenetic location: 2q35.
Variant type: single nucleotide variant.
Coding change: c.947G>C on transcript NM_002181.4 (MANE Select); coding-DNA position 947, G replaced by C.
Protein change: p.Arg316Pro; replaces arginine 316 with proline.
Molecular consequence: missense variant.
Genome position (GRCh38, 1-based): chr2:219,055,496, C>G on the plus strand (G>C on the coding strand, the complement: IHH is on the minus strand). VCF-style: chr2-219055496-C-G. GRCh37 (hg19) VCF-style: chr2-219920218-C-G.
Other names: c.947G>C (NM_002181.3); short protein forms R316P.
Identifiers: ClinVar variation 1007931 (VCV001007931.9), dbSNP rs745408084, ClinGen allele CA65947863.
Genomic context (GRCh38, chr2:219,055,496, plus strand): 5'-CCATGCTTTGTGAGCGGGGCGTAGGCCCCGAGGGCCACGTGTGTAGAGACAGCTGCCACG[C>G]GGGCAGGCTGCAGGCCTGGCACCCCAGCCACCAGCACGTACTGGCCAGGCTGCACGTGGC-3'
Protein context (NP_002172.2, residues 306-326): VAGVPGLQPA[Arg316Pro]VAAVSTHVAL

ClinVar aggregate classification (germline): Uncertain significance. Review status: criteria provided, multiple submitters, no conflicts (2 of 4 stars). 2 submissions from 2 submitters: Uncertain significance (2). Last evaluated 2025-10-02.

Conditions:
Inborn genetic diseases. Identifiers: MedGen C0950123, MeSH D030342.

Allele frequency attached by ClinVar (database versions not stated): gnomAD 0.00002; TOPMed 0.00002.

Submissions (2):

Ambry Genetics
Classification: Uncertain significance for Inborn genetic diseases. Last evaluated: 2025-10-02. Review status: criteria provided, single submitter. Criteria: Ambry Variant Classification Scheme 2023. Collection method: clinical testing. Allele origin: germline.

Labcorp Genetics (formerly Invitae), Labcorp
Classification: Uncertain significance. Last evaluated: 2025-02-28. Review status: criteria provided, single submitter. Criteria: Invitae Variant Classification Sherloc (09022015). Collection method: clinical testing. Allele origin: germline.
Comment: This sequence change replaces arginine, which is basic and polar, with proline, which is neutral and non-polar, at codon 316 of the IHH protein (p.Arg316Pro). This variant is not present in population databases (gnomAD no frequency). This variant has not been reported in the literature in individuals affected with IHH-related conditions. ClinVar contains an entry for this variant (Variation ID: 1007931). Invitae Evidence Modeling of protein sequence and biophysical properties (such as structural, functional, and spatial information, amino acid conservation, physicochemical variation, residue mobility, and thermodynamic stability) indicates that this missense variant is not expected to disrupt IHH protein function with a negative predictive value of 80%. In summary, the available evidence is currently insufficient to determine the role of this variant in disease. Therefore, it has been classified as a Variant of Uncertain Significance.